The following is an entry in ClinVar:

NM_000153.4(GALC):c.1277G>A (p.Trp426Ter)

Gene: GALC (galactosylceramidase; minus strand). Cytogenetic location: 14q31.3.
Variant type: single nucleotide variant.
Coding change: c.1277G>A on transcript NM_000153.4 (MANE Select); coding-DNA position 1277, G replaced by A.
Protein change: p.Trp426Ter; replaces tryptophan 426 with a stop codon.
Molecular consequence: nonsense. On other transcripts: non-coding transcript variant (1).
Genome position (GRCh38, 1-based): chr14:87,949,906, C>T on the plus strand (G>A on the coding strand, the complement: GALC is on the minus strand). VCF-style: chr14-87949906-C-T. GRCh37 (hg19) VCF-style: chr14-88416250-C-T.
Other names: c.1208G>A, p.Trp403Ter (NM_001201401.2); c.1199G>A, p.Trp400Ter (NM_001201402.2); c.1109G>A, p.Trp370Ter (NM_001424071.1, NM_001424072.1, NM_001424073.1); c.929G>A, p.Trp310Ter (NM_001424074.1, NM_001424075.1); c.644G>A, p.Trp215Ter (NM_001424076.1, NM_001424077.1); short protein forms W215*, W370*, W400*, W403*, W310*, W426*.
Identifiers: ClinVar variation 3713374 (VCV003713374.2).

ClinVar aggregate classification (germline): Pathogenic (1 of 4 stars; one submission).

Conditions:
Galactosylceramide beta-galactosidase deficiency. Also called: GALACTOCEREBROSIDASE DEFICIENCY; GALC DEFICIENCY; GLOBOID CELL LEUKOENCEPHALOPATHY; Leukodystrophy, Globoid Cell; Krabbe Disease. Identifiers: Orphanet 487, MedGen C0023521, MONDO:0009499, OMIM 245200.

gnomAD v4.1: 2 of 1,587,506 alleles (0.00013%); highest among the groups gnomAD compares: South Asian, 0.0011%; no homozygotes.

Submission:

Labcorp Genetics (formerly Invitae), Labcorp
Classification: Pathogenic for Galactosylceramide beta-galactosidase deficiency. Last evaluated: 2024-01-30. Review status: criteria provided, single submitter. Criteria: Invitae Variant Classification Sherloc (09022015). Collection method: clinical testing. Allele origin: germline.
Comment: This sequence change creates a premature translational stop signal (p.Trp426*) in the GALC gene. It is expected to result in an absent or disrupted protein product. Loss-of-function variants in GALC are known to be pathogenic (PMID: 7437911, 9272171, 16607461). This variant is present in population databases (no rsID available, gnomAD 0.003%). This variant has not been reported in the literature in individuals affected with GALC-related conditions. For these reasons, this variant has been classified as Pathogenic.

Literature cited by the submitters: PubMed 7437911; PubMed 9272171; PubMed 16607461.